The following is an entry in ClinVar:

ClinVar aggregate classification (germline): Pathogenic (1 of 4 stars; one submission).

Conditions:
Glycogen storage disease, type VII (GSD7). Also called: GSD VII; MUSCLE PHOSPHOFRUCTOKINASE DEFICIENCY; PFKM DEFICIENCY; TARUI DISEASE. Identifiers: Orphanet 371, MedGen C0017926, MONDO:0009295, OMIM 232800.

Submission:

Labcorp Genetics (formerly Invitae), Labcorp
Classification: Pathogenic for Glycogen storage disease, type VII. Last evaluated: 2022-09-16. Review status: criteria provided, single submitter. Criteria: Invitae Variant Classification Sherloc (09022015). Collection method: clinical testing. Allele origin: germline.
Comment: Algorithms developed to predict the effect of sequence changes on RNA splicing suggest that this variant may disrupt the consensus splice site. This sequence change creates a premature translational stop signal (p.Glu610Trpfs*5) in the PFKM gene. It is expected to result in an absent or disrupted protein product. Loss-of-function variants in PFKM are known to be pathogenic (PMID: 7825568, 8037209). This variant is not present in population databases (gnomAD no frequency). This variant has not been reported in the literature in individuals affected with PFKM-related conditions. For these reasons, this variant has been classified as Pathogenic.

Literature cited by the submitters: PubMed 7825568; PubMed 8037209.

NM_000289.6(PFKM):c.1828_1834del (p.Glu610fs)

Gene: PFKM (phosphofructokinase, muscle; plus strand). Cytogenetic location: 12q13.11.
Variant type: Deletion.
Coding change: c.1828_1834del on transcript NM_000289.6 (MANE Select); coding-DNA positions 1828 to 1834, 7 bases deleted (GAACATC; older notation c.1828_1834delGAACATC).
Protein change: p.Glu610fs; shifts the reading frame from glutamic acid 610.
Molecular consequence: frameshift variant. On other transcripts: non-coding transcript variant (6).
Genome position (GRCh38, 1-based): chr12:48,143,762-48,143,768, GAACATC deleted. VCF-style (leftmost placement, unchanged base first): chr12-48143761-TGAACATC-T. GRCh37 (hg19) VCF-style: chr12-48537544-TGAACATC-T.
Other names: c.2041_2047del, p.Glu681fs (NM_001166686.2, NM_001354737.1, NM_001354738.1 and 1 more transcripts); c.1828_1834del, p.Glu610fs (NM_001166687.2, NM_001166688.2, NM_001354742.2 and 2 more transcripts); c.2137_2143del, p.Glu713fs (NM_001354735.1, NM_001354736.1); c.1972_1978del, p.Glu658fs (NM_001354740.1); c.1852_1858del, p.Glu618fs (NM_001354741.2); c.1741_1747del, p.Glu581fs (NM_001354745.2); c.1702_1708del, p.Glu568fs (NM_001354746.2); c.1678_1684del, p.Glu560fs (NM_001354747.2, NM_001354748.2); and 1 more; short protein forms E579fs, E581fs, E560fs, E568fs, E610fs, E681fs, E618fs, E658fs.
Identifiers: ClinVar variation 2030770 (VCV002030770.4), dbSNP rs2498639015, ClinGen allele CA2580085475.